The following is an entry in ClinVar:

ClinVar aggregate classification (germline): Uncertain significance (1 of 4 stars; one submission).

Submission:

Labcorp Genetics (formerly Invitae), Labcorp
Classification: Uncertain significance. Last evaluated: 2025-08-10. Review status: criteria provided, single submitter. Criteria: Invitae Variant Classification Sherloc (09022015). Collection method: clinical testing. Allele origin: germline.
Comment: This sequence change replaces serine, which is neutral and polar, with isoleucine, which is neutral and non-polar, at codon 348 of the SAMD9L protein (p.Ser348Ile). This variant is not present in population databases (gnomAD no frequency). This variant has not been reported in the literature in individuals affected with SAMD9L-related conditions. Invitae Evidence Modeling of protein sequence and biophysical properties (such as structural, functional, and spatial information, amino acid conservation, physicochemical variation, residue mobility, and thermodynamic stability) indicates that this missense variant is expected to disrupt SAMD9L protein function with a positive predictive value of 80%. In summary, the available evidence is currently insufficient to determine the role of this variant in disease. Therefore, it has been classified as a Variant of Uncertain Significance.

NM_152703.5(SAMD9L):c.1043G>T (p.Ser348Ile)

Gene: SAMD9L (sterile alpha motif domain containing 9 like; minus strand). Cytogenetic location: 7q21.2.
Variant type: single nucleotide variant.
Coding change: c.1043G>T on transcript NM_152703.5 (MANE Select); coding-DNA position 1043, G replaced by T.
Protein change: p.Ser348Ile; replaces serine 348 with isoleucine.
Molecular consequence: missense variant.
Genome position (GRCh38, 1-based): chr7:93,134,929, C>A on the plus strand (G>T on the coding strand, the complement: SAMD9L is on the minus strand). VCF-style: chr7-93134929-C-A. GRCh37 (hg19) VCF-style: chr7-92764242-C-A.
Other names: c.1043G>T, p.Ser348Ile (NM_001303496.3, NM_001303497.3, NM_001303498.3 and 5 more transcripts); short protein forms S348I.
Identifiers: ClinVar variation 4741121 (VCV004741121.1).